The following is an entry in ClinVar:

ClinVar aggregate classification (germline): Pathogenic (1 of 4 stars; one submission).

Conditions:
Brain malformations with or without urinary tract defects. Also called: Brain malformations and urinary tract defects. Identifiers: MedGen C4478940, MONDO:0100478, OMIM 613735.

Submission:

Johns Hopkins Genomics, Johns Hopkins University
Classification: Pathogenic for Brain malformations with or without urinary tract defects. Last evaluated: 2024-01-20. Review status: criteria provided, single submitter. Criteria: ACMG Guidelines, 2015. Collection method: clinical testing. Allele origin: germline.
Comment: This NFIA variant is absent from a large population dataset and has not been reported in ClinVar nor the literature, to our knowledge. This single nucleotide variant is predicted to disrupt the canonical splice donor site of exon 1 in the NFIA pre-mRNA transcript. We consider c.27+1G>C to be pathogenic for autosomal dominant NFIA-related disorder.

Literature cited by the submitters: PubMed 31194316; PubMed 31730271; PubMed 38188845.

NM_001134673.4(NFIA):c.27+1G>C

Gene: NFIA (nuclear factor I A; plus strand). Cytogenetic location: 1p31.3.
Variant type: single nucleotide variant.
Coding change: c.27+1G>C on transcript NM_001134673.4 (MANE Select); the canonical splice donor site of the intron after coding-DNA position 27, G replaced by C.
Molecular consequence: splice donor variant. On other transcripts: intron variant (1).
Genome position (GRCh38, 1-based): chr1:61,082,819, G>C. VCF-style: chr1-61082819-G-C. GRCh37 (hg19) VCF-style: chr1-61548491-G-C.
Other names: c.3+5191G>C (NM_001145511.2); c.162+1G>C (NM_001145512.2); c.27+1G>C (NM_005595.5).
Identifiers: ClinVar variation 2690897 (VCV002690897.1), dbSNP rs2524179794, ClinGen allele CA340586099.
Genomic context (GRCh38, chr1:61,082,819, plus strand): 5'-AGACGCACACGCATACCCCAGCGCCCGGCAGTTATGTATTCTCCGCTCTGTCTCACCCAG[G>C]TAAGCCGCGGCGTGGATGCGGAGGGCTTGGGGGCCGGGGCGCCGGGGGCAGGGCTGGGGC-3'